The following is an entry in ClinVar:

NC_000003.11:g.(?_30648376)_(30733091_?)dup

Gene: TGFBR2 (transforming growth factor beta receptor 2; plus strand). Cytogenetic location: 3p24.1.
Variant type: Duplication.
Identifiers: ClinVar variation 3246946 (VCV003246946.1).

ClinVar aggregate classification (germline): Uncertain significance (1 of 4 stars; one submission).

Conditions:
Familial thoracic aortic aneurysm and aortic dissection (TAAD). Also called: Thoracic aortic aneurysms and dissections. Identifiers: Orphanet 91387, MedGen C4707243, MONDO:0019625.

Submission:

Labcorp Genetics (formerly Invitae), Labcorp
Classification: Uncertain significance for Familial thoracic aortic aneurysm and aortic dissection. Last evaluated: 2023-09-03. Review status: criteria provided, single submitter. Criteria: Invitae Variant Classification Sherloc (09022015). Collection method: clinical testing. Allele origin: unknown.
Comment: In summary, the available evidence is currently insufficient to determine the role of this variant in disease. Therefore, it has been classified as a Variant of Uncertain Significance. Experimental studies and prediction algorithms are not available or were not evaluated, and the functional significance of this variant is currently unknown. Isolated whole-gene copy number gains of TGFBR2 have not been reported in the literature. However, larger copy number events that include this gene have been reported (PMID: 28398664). A copy number gain of the genomic region encompassing the full coding sequence of the TGFBR2 gene has been identified. The boundaries of this event are unknown as they extend beyond the assayed region for this gene and therefore may encompass additional genes. As the precise location of this event is unknown, it may be in tandem or it may be located elsewhere in the genome.

Literature cited by the submitters: PubMed 28398664.